The following is an entry in ClinVar:

NM_002617.4(PEX10):c.814_815insG (p.Leu272fs)

Gene: PEX10 (peroxisomal biogenesis factor 10; minus strand). Cytogenetic location: 1p36.32.
Variant type: Insertion.
Coding change: c.814_815insG on transcript NM_002617.4 (MANE Select); coding-DNA positions 814 to 815, G inserted.
Protein change: p.Leu272fs; shifts the reading frame from leucine 272.
Molecular consequence: frameshift variant. On other transcripts: non-coding transcript variant (1).
Genome position: GRCh38 VCF-style: chr1-2406581-A-AC. GRCh37 (hg19) VCF-style: chr1-2338020-A-AC.
Other names: c.874_875insG (NM_153818.1); c.871_872insG, p.Leu291fs (NM_001374425.1); c.439_440insG, p.Leu147fs (NM_001374426.1); c.382_383insG, p.Leu128fs (NM_001374427.1); c.874_875insG, p.Leu292fs (NM_153818.2); short protein forms L272fs, L292fs, L291fs, L128fs, L147fs.
Identifiers: ClinVar variation 3702199 (VCV003702199.4).

ClinVar aggregate classification (germline): Pathogenic/Likely pathogenic. Review status: criteria provided, multiple submitters, no conflicts (2 of 4 stars). 3 submissions from 3 submitters: Pathogenic (1); Likely pathogenic (2). Last evaluated 2025-07-10.

Conditions:
PEX10-related disorder. Also called: PEX10-related condition.
Zellweger spectrum disorders (ZS). Also called: Zellweger Spectrum Disorder (ZSD); Zellweger Spectrum Disorder; Zellweger Spectrum; Zellweger syndrome. Identifiers: Orphanet 912, MedGen C0043459, MONDO:0019609.
Peroxisome biogenesis disorder, complementation group 7 (CG7). Also called: Peroxisome biogenesis disorder, complementation group B. Identifiers: MedGen C1864399.

Submissions (3):

Natera, Inc.
Classification: Likely pathogenic for Zellweger syndrome. Last evaluated: 2025-07-10. Review status: criteria provided, single submitter. Criteria: Natera Variant Classification Schema (03/2026). Collection method: clinical testing. Allele origin: germline.
Comment: The c.874_875insG variant in PEX10 is a frameshift variant predicted to elongate the protein beyond the termination codon. This variant is expected to result in nonsense mediated decay, truncation, or a dysfunctional protein product. This variant is rare in the general population with a frequency below the threshold expected for the associated phenotype(s). Given the available evidence, this variant is classified as Likely Pathogenic.

Labcorp Genetics (formerly Invitae), Labcorp
Classification: Pathogenic for Peroxisome biogenesis disorder, complementation group 7. Last evaluated: 2025-02-03. Review status: criteria provided, single submitter. Criteria: Invitae Variant Classification Sherloc (09022015). Collection method: clinical testing. Allele origin: germline.
Comment: This sequence change results in a frameshift in the PEX10 gene (p.Leu292Argfs*67). While this is not anticipated to result in nonsense mediated decay, it is expected to disrupt the last 55 amino acid(s) of the PEX10 protein and extend the protein by 11 additional amino acid residues. This variant is not present in population databases (gnomAD no frequency). This variant has not been reported in the literature in individuals affected with PEX10-related conditions. This variant disrupts a region of the PEX10 protein in which other variant(s) (p.Leu297Pro) have been determined to be pathogenic (PMID: 19127411, 26319495, 30640048). This suggests that this is a clinically significant region of the protein, and that variants that disrupt it are likely to be disease-causing. For these reasons, this variant has been classified as Pathogenic.

Blueprint Genetics
Classification: Likely pathogenic for PEX10-related disorders. Last evaluated: 2021-10-18. Review status: criteria provided, single submitter. Criteria: ACMG Guidelines, 2015. Collection method: clinical testing. Allele origin: germline. Affected: yes. Observed: 2 variant alleles.

Literature cited by the submitters: PubMed 19127411 (cited by Labcorp Genetics (formerly Invitae), Labcorp); PubMed 26319495 (cited by Labcorp Genetics (formerly Invitae), Labcorp); PubMed 30640048 (cited by Labcorp Genetics (formerly Invitae), Labcorp).